The following is an entry in ClinVar:

NM_001243288.2(NECTIN3):c.1390C>T (p.Arg464Trp)

Gene: NECTIN3 (nectin cell adhesion molecule 3; plus strand). Cytogenetic location: 3q13.13.
Variant type: single nucleotide variant.
Coding change: c.1390C>T on transcript NM_001243288.2; coding-DNA position 1390, C replaced by T.
Protein change: p.Arg464Trp; replaces arginine 464 with tryptophan.
Molecular consequence: missense variant.
Genome position (GRCh38, 1-based): chr3:111,193,305, C>T. VCF-style: chr3-111193305-C-T. GRCh37 (hg19) VCF-style: chr3-110912152-C-T.
Other names: short protein forms R464W.
Identifiers: ClinVar variation 3041440 (VCV003041440.2), dbSNP rs145238359, ClinGen allele CA2534030.

ClinVar aggregate classification (germline): Likely benign (0 of 4 stars; one submission).

Conditions:
NECTIN3-related disorder. Also called: NECTIN3-related condition.

Allele frequency attached by ClinVar (database versions not stated): 1000 Genomes Project 30x 0.00219; TOPMed 0.00289; 1000 Genomes Project 0.00200.
gnomAD v4.1: 6,809 of 1,535,712 alleles (0.44%); highest among the groups gnomAD compares: Non-Finnish European, 0.55%; 27 homozygotes.

Submission:

PreventionGenetics, part of Exact Sciences
Classification: Likely benign for NECTIN3-related condition. Last evaluated: 2022-02-01. Review status: no assertion criteria provided. Collection method: clinical testing. Allele origin: germline.
Comment: This variant is classified as likely benign based on ACMG/AMP sequence variant interpretation guidelines (Richards et al. 2015 PMID: 25741868, with internal and published modifications).